The following is an entry in ClinVar:

ClinVar aggregate classification (germline): Uncertain significance (1 of 4 stars; one submission).

Submission:

GeneDx
Classification: Uncertain significance. Last evaluated: 2022-11-04. Review status: criteria provided, single submitter. Criteria: GeneDx Variant Classification Process June 2021. Collection method: clinical testing. Allele origin: germline. Affected: yes.
Comment: Nonsense variant predicted to result in protein truncation as the last 64 amino acids are lost, although loss-of-function variants have not been reported downstream of this position in the protein; Not observed at significant frequency in large population cohorts (gnomAD); Has not been previously published as pathogenic or benign to our knowledge

NM_001694.4(ATP6V0C):c.274C>T (p.Gln92Ter)

Gene: ATP6V0C (ATPase H+ transporting V0 subunit c; plus strand). Cytogenetic location: 16p13.3.
Variant type: single nucleotide variant.
Coding change: c.274C>T on transcript NM_001694.4 (MANE Select); coding-DNA position 274, C replaced by T.
Protein change: p.Gln92Ter; replaces glutamine 92 with a stop codon.
Molecular consequence: nonsense.
Genome position (GRCh38, 1-based): chr16:2,519,551, C>T. VCF-style: chr16-2519551-C-T. GRCh37 (hg19) VCF-style: chr16-2569552-C-T.
Other names: c.274C>T, p.Gln92Ter (NM_001198569.2); short protein forms Q92*.
Identifiers: ClinVar variation 1800572 (VCV001800572.1), dbSNP rs2505558685, ClinGen allele CA394387950.
Genomic context (GRCh38, chr16:2,519,551, plus strand): 5'-TCCCCCTGGTTGGCAGGCTGCTGATGTCAGTCCTCTCTTCTCGCCCCCAGGAGCTTCCTC[C>T]AGCTGGGCGCCGGCCTGAGCGTGGGCCTGAGCGGCCTGGCAGCCGGCTTTGCCATCGGCA-3'